The following is an entry in ClinVar:

NM_003922.4(HERC1):c.3095G>A (p.Arg1032His)

Gene: HERC1 (HECT and RLD domain containing E3 ubiquitin protein ligase family member 1; minus strand). Cytogenetic location: 15q22.31.
Variant type: single nucleotide variant.
Coding change: c.3095G>A on transcript NM_003922.4 (MANE Select); coding-DNA position 3095, G replaced by A.
Protein change: p.Arg1032His; replaces arginine 1032 with histidine.
Molecular consequence: missense variant.
Genome position (GRCh38, 1-based): chr15:63,729,295, C>T on the plus strand (G>A on the coding strand, the complement: HERC1 is on the minus strand). VCF-style: chr15-63729295-C-T. GRCh37 (hg19) VCF-style: chr15-64021494-C-T.
Other names: short protein forms R1032H.
Identifiers: ClinVar variation 2579336 (VCV002579336.1), dbSNP rs775255598, ClinGen allele CA7606126.

ClinVar aggregate classification (germline): Uncertain significance (1 of 4 stars; one submission).

Allele frequency attached by ClinVar (database versions not stated): TOPMed below 0.00001; gnomAD exomes 0.00001; ExAC 0.00002.
gnomAD v4.1: 21 of 1,611,590 alleles (0.0013%); highest among the groups gnomAD compares: Non-Finnish European, 0.0016%; no homozygotes.

Submission:

GeneDx
Classification: Uncertain significance. Last evaluated: 2023-03-08. Review status: criteria provided, single submitter. Criteria: GeneDx Variant Classification Process June 2021. Collection method: clinical testing. Allele origin: germline. Affected: yes.
Comment: Not observed at significant frequency in large population cohorts (gnomAD); In silico analysis supports that this missense variant does not alter protein structure/function; Has not been previously published as pathogenic or benign to our knowledge